The following is an entry in ClinVar:

NM_005045.4(RELN):c.2456A>C (p.His819Pro)

Gene: RELN (reelin; minus strand). Cytogenetic location: 7q22.1.
Variant type: single nucleotide variant.
Coding change: c.2456A>C on transcript NM_005045.4 (MANE Select); coding-DNA position 2456, A replaced by C.
Protein change: p.His819Pro; replaces histidine 819 with proline.
Molecular consequence: missense variant.
Genome position (GRCh38, 1-based): chr7:103,635,434, T>G on the plus strand (A>C on the coding strand, the complement: RELN is on the minus strand). VCF-style: chr7-103635434-T-G. GRCh37 (hg19) VCF-style: chr7-103275881-T-G.
Other names: c.2456A>C, p.His819Pro (NM_173054.3); short protein forms H819P.
Identifiers: ClinVar variation 3754257 (VCV003754257.2).

ClinVar aggregate classification (germline): Uncertain significance (1 of 4 stars; one submission).

Conditions:
Norman-Roberts syndrome (LIS2). Also called: Lissencephaly 2 (Norman-Roberts type). Identifiers: Orphanet 89844, MedGen C0796089, MONDO:0009760, OMIM 257320.
Familial temporal lobe epilepsy 7. Identifiers: Orphanet 101046, MedGen C4225327, MONDO:0014639, OMIM 616436.

Submission:

Labcorp Genetics (formerly Invitae), Labcorp
Classification: Uncertain significance for Familial temporal lobe epilepsy 7; Norman-Roberts syndrome. Last evaluated: 2024-02-10. Review status: criteria provided, single submitter. Criteria: Invitae Variant Classification Sherloc (09022015). Collection method: clinical testing. Allele origin: germline.
Comment: This sequence change replaces histidine, which is basic and polar, with proline, which is neutral and non-polar, at codon 819 of the RELN protein (p.His819Pro). This variant is not present in population databases (gnomAD no frequency). This variant has not been reported in the literature in individuals affected with RELN-related conditions. Advanced modeling of protein sequence and biophysical properties (such as structural, functional, and spatial information, amino acid conservation, physicochemical variation, residue mobility, and thermodynamic stability) performed at Invitae indicates that this missense variant is not expected to disrupt RELN protein function with a negative predictive value of 80%. In summary, the available evidence is currently insufficient to determine the role of this variant in disease. Therefore, it has been classified as a Variant of Uncertain Significance.